The following is an entry in ClinVar:

ClinVar aggregate classification (germline): Uncertain significance. Review status: criteria provided, multiple submitters, no conflicts (2 of 4 stars). 2 submissions from 2 submitters: Uncertain significance (2). Last evaluated 2024-04-12.

Conditions:
Hereditary cancer-predisposing syndrome. Also called: Hereditary Cancer Syndrome; Tumor predisposition; Hereditary neoplastic syndrome; Neoplastic Syndromes, Hereditary. Identifiers: Orphanet 140162, MedGen C0027672, MeSH D009386, MONDO:0015356.
Familial adenomatous polyposis 1 (FAP1). Also called: POLYPOSIS, ADENOMATOUS INTESTINAL; FAMILIAL ADENOMATOUS POLYPOSIS 1, ATTENUATED. Identifiers: MedGen C2713442, MONDO:0021056, OMIM 175100. Disease mechanism: loss of function.

Submissions (2):

Ambry Genetics
Classification: Uncertain significance for Hereditary cancer-predisposing syndrome. Last evaluated: 2024-04-12. Review status: criteria provided, single submitter. Criteria: Ambry Variant Classification Scheme 2023. Collection method: clinical testing. Allele origin: germline.
Comment: The p.T1430N variant (also known as c.4289C>A), located in coding exon 15 of the APC gene, results from a C to A substitution at nucleotide position 4289. The threonine at codon 1430 is replaced by asparagine, an amino acid with similar properties. This amino acid position is highly conserved in available vertebrate species. In addition, in silico predictors for this gene do not accurately predict pathogenicity. Based on the available evidence, the clinical significance of this variant remains unclear.

Labcorp Genetics (formerly Invitae), Labcorp
Classification: Uncertain significance for Familial adenomatous polyposis 1. Last evaluated: 2022-01-11. Review status: criteria provided, single submitter. Criteria: Invitae Variant Classification Sherloc (09022015). Collection method: clinical testing. Allele origin: germline.
Comment: In summary, the available evidence is currently insufficient to determine the role of this variant in disease. Therefore, it has been classified as a Variant of Uncertain Significance. Algorithms developed to predict the effect of missense changes on protein structure and function are either unavailable or do not agree on the potential impact of this missense change (SIFT: "Tolerated"; PolyPhen-2: "Probably Damaging"; Align-GVGD: "Class C0"). This variant has not been reported in the literature in individuals affected with APC-related conditions. This variant is not present in population databases (gnomAD no frequency). This sequence change replaces threonine, which is neutral and polar, with asparagine, which is neutral and polar, at codon 1430 of the APC protein (p.Thr1430Asn).

NM_000038.6(APC):c.4289C>A (p.Thr1430Asn)

Gene: APC (APC regulator of Wnt signaling pathway; plus strand). Cytogenetic location: 5q22.2.
Variant type: single nucleotide variant.
Coding change: c.4289C>A on transcript NM_000038.6 (MANE Select); coding-DNA position 4289, C replaced by A.
Protein change: p.Thr1430Asn; replaces threonine 1430 with asparagine.
Molecular consequence: missense variant.
Genome position (GRCh38, 1-based): chr5:112,839,883, C>A. VCF-style: chr5-112839883-C-A. GRCh37 (hg19) VCF-style: chr5-112175580-C-A.
Other names: c.4289C>A (NM_000038.5); c.4289C>A, p.Thr1430Asn (NM_001127510.3, NM_001354895.2, NM_001407450.1); c.4235C>A, p.Thr1412Asn (NM_001127511.3); c.4343C>A, p.Thr1448Asn (NM_001354896.2, NM_001407447.1, NM_001407448.1 and 1 more transcripts); c.4319C>A, p.Thr1440Asn (NM_001354897.2); c.4214C>A, p.Thr1405Asn (NM_001354898.2); c.4205C>A, p.Thr1402Asn (NM_001354899.2); c.4166C>A, p.Thr1389Asn (NM_001354900.2); and 12 more; short protein forms T1304N, T1339N, T1402N, T1412N, T1423N, T1440N, T1046N, T1147N.
Identifiers: ClinVar variation 2080398 (VCV002080398.5), dbSNP rs1580646079, ClinGen allele CA16030729.